The following is an entry in ClinVar:

ClinVar aggregate classification (germline): Uncertain significance (1 of 4 stars; one submission).

Conditions:
Neuronal ceroid lipofuscinosis 7 (CLN7). Also called: MFSD8-Related Neuronal Ceroid-Lipofuscinosis. Identifiers: Orphanet 168491, Orphanet 228366, MedGen C1838571, MONDO:0012588, OMIM 610951.

Submission:

Labcorp Genetics (formerly Invitae), Labcorp
Classification: Uncertain significance for Neuronal ceroid lipofuscinosis 7. Last evaluated: 2020-01-14. Review status: criteria provided, single submitter. Criteria: Invitae Variant Classification Sherloc (09022015). Collection method: clinical testing. Allele origin: germline.
Comment: In summary, the available evidence is currently insufficient to determine the role of this variant in disease. Therefore, it has been classified as a Variant of Uncertain Significance. Algorithms developed to predict the effect of missense changes on protein structure and function (SIFT, PolyPhen-2, Align-GVGD) all suggest that this variant is likely to be disruptive, but these predictions have not been confirmed by published functional studies and their clinical significance is uncertain. This variant has not been reported in the literature in individuals with MFSD8-related conditions. This variant is not present in population databases (ExAC no frequency). This sequence change replaces leucine with proline at codon 506 of the MFSD8 protein (p.Leu506Pro). The leucine residue is highly conserved and there is a moderate physicochemical difference between leucine and proline.

NM_001371596.2(MFSD8):c.1517T>C (p.Leu506Pro)

Gene: MFSD8 (major facilitator superfamily domain containing 8; minus strand). Cytogenetic location: 4q28.2.
Variant type: single nucleotide variant.
Coding change: c.1517T>C on transcript NM_001371596.2 (MANE Select); coding-DNA position 1517, T replaced by C.
Protein change: p.Leu506Pro; replaces leucine 506 with proline.
Molecular consequence: missense variant.
Genome position (GRCh38, 1-based): chr4:127,920,670, A>G on the plus strand (T>C on the coding strand, the complement: MFSD8 is on the minus strand). VCF-style: chr4-127920670-A-G. GRCh37 (hg19) VCF-style: chr4-128841825-A-G.
Other names: c.1316T>C, p.Leu439Pro (NM_001363520.3); c.1202T>C, p.Leu401Pro (NM_001363521.3); c.1382T>C, p.Leu461Pro (NM_001371590.2); c.1526T>C, p.Leu509Pro (NM_001371591.2); c.1523T>C, p.Leu508Pro (NM_001371592.2); c.1403T>C, p.Leu468Pro (NM_001371593.2); c.1370T>C, p.Leu457Pro (NM_001371594.2); c.1235T>C, p.Leu412Pro (NM_001371595.1); and 3 more; short protein forms L412P, L457P, L506P, L461P, L468P, L509P, L401P, L439P.
Identifiers: ClinVar variation 1041253 (VCV001041253.6), dbSNP rs1736211859, ClinGen allele CA358170483.